The following is an entry in ClinVar:

ClinVar aggregate classification (germline): Uncertain significance (1 of 4 stars; one submission).

Conditions:
Aicardi-Goutieres syndrome 3. Identifiers: Orphanet 51, MedGen C1835916, MONDO:0012471, OMIM 610329.

Allele frequency attached by ClinVar (database versions not stated): gnomAD 0.00001; TOPMed 0.00001.
gnomAD v4.1: 1 of 1,614,102 alleles (0.000062%); highest among the groups gnomAD compares: African/African-American, 0.0013%; no homozygotes.

Submission:

Labcorp Genetics (formerly Invitae), Labcorp
Classification: Uncertain significance for Aicardi-Goutieres syndrome 3. Last evaluated: 2024-10-25. Review status: criteria provided, single submitter. Criteria: Invitae Variant Classification Sherloc (09022015). Collection method: clinical testing. Allele origin: germline.
Comment: This sequence change replaces tyrosine, which is neutral and polar, with histidine, which is basic and polar, at codon 82 of the RNASEH2C protein (p.Tyr82His). This variant is present in population databases (no rsID available, gnomAD 0.007%). This variant has not been reported in the literature in individuals affected with RNASEH2C-related conditions. ClinVar contains an entry for this variant (Variation ID: 1994325). An algorithm developed to predict the effect of missense changes on protein structure and function (PolyPhen-2) suggests that this variant is likely to be disruptive. In summary, the available evidence is currently insufficient to determine the role of this variant in disease. Therefore, it has been classified as a Variant of Uncertain Significance.

NM_032193.4(RNASEH2C):c.244T>C (p.Tyr82His)

Gene: RNASEH2C (ribonuclease H2 subunit C; minus strand). Cytogenetic location: 11q13.1.
Variant type: single nucleotide variant.
Coding change: c.244T>C on transcript NM_032193.4 (MANE Select); coding-DNA position 244, T replaced by C.
Protein change: p.Tyr82His; replaces tyrosine 82 with histidine.
Molecular consequence: missense variant.
Genome position (GRCh38, 1-based): chr11:65,720,346, A>G on the plus strand (T>C on the coding strand, the complement: RNASEH2C is on the minus strand). VCF-style: chr11-65720346-A-G. GRCh37 (hg19) VCF-style: chr11-65487817-A-G.
Other names: short protein forms Y82H.
Identifiers: ClinVar variation 1994325 (VCV001994325.4), dbSNP rs1352533215, ClinGen allele CA381298937.